The following is an entry in ClinVar:

ClinVar aggregate classification (germline): Likely pathogenic (1 of 4 stars; one submission).

Conditions:
Metachromatic leukodystrophy (MLD). Also called: Cerebral sclerosis diffuse metachromatic form; Arylsulfatase A Deficiency; ARSA DEFICIENCY; CEREBROSIDE SULFATASE DEFICIENCY; METACHROMATIC LEUKOENCEPHALOPATHY; SULFATIDE LIPIDOSIS. Identifiers: Orphanet 512, MedGen C0023522, MONDO:0018868, OMIM 250100.

Submission:

Natera, Inc.
Classification: Likely pathogenic for Metachromatic leukodystrophy. Last evaluated: 2025-01-19. Review status: criteria provided, single submitter. Criteria: Natera Variant Classification Schema (03/2026). Collection method: clinical testing. Allele origin: germline.
Comment: The c.576+1G>T variant in PSAP is a canonical splice donor site variant predicted to affect pre-mRNA splicing, which may result in an abnormal transcript and altered protein product. This variant is expected to result in nonsense mediated decay, truncation, or a dysfunctional protein product. This variant is rare in the general population with a frequency below the threshold expected for the associated phenotype(s). Given the available evidence, this variant is classified as Likely Pathogenic.

NM_002778.4(PSAP):c.576+1G>T

Gene: PSAP (prosaposin; minus strand). Cytogenetic location: 10q22.1.
Variant type: single nucleotide variant.
Coding change: c.576+1G>T on transcript NM_002778.4 (MANE Select); the canonical splice donor site of the intron after coding-DNA position 576, G replaced by T.
Molecular consequence: splice donor variant.
Genome position (GRCh38, 1-based): chr10:71,828,876, C>A on the plus strand (G>T on the coding strand, the complement: PSAP is on the minus strand). VCF-style: chr10-71828876-C-A. GRCh37 (hg19) VCF-style: chr10-73588633-C-A.
Other names: c.576+1G>T (NM_001042466.3, NM_001042465.3).
Identifiers: ClinVar variation 4815081 (VCV004815081.1).